The following is an entry in ClinVar:

ClinVar aggregate classification (germline): Uncertain significance. Review status: criteria provided, multiple submitters, no conflicts (2 of 4 stars). 3 submissions from 3 submitters: Uncertain significance (3). Last evaluated 2023-10-23.

Conditions:
Dilated cardiomyopathy 1D. Identifiers: Orphanet 154, Orphanet 54260, MedGen C1832243, MONDO:0011095, OMIM 601494.
Cardiomyopathy, familial restrictive, 3. Identifiers: Orphanet 75249, MedGen C2676271, MONDO:0012900, OMIM 612422.
Hypertrophic cardiomyopathy 2. Also called: TNNT2-Related Familial Hypertrophic Cardiomyopathy. Identifiers: MedGen C1861864, MONDO:0007266, OMIM 115195.
Cardiomyopathy (CMYO). Also called: Cardiomyopathies. Identifiers: Orphanet 167848, MedGen C0878544, MONDO:0004994, HP:0001638. Inheritance: Various modes of inheritance.

Submissions (3):

All of Us Research Program, National Institutes of Health
Classification: Uncertain significance for Cardiomyopathy. Last evaluated: 2023-10-23. Review status: criteria provided, single submitter. Criteria: ACMG Guidelines, 2015. Collection method: clinical testing. Allele origin: germline. Inheritance: Autosomal dominant inheritance. Observed: 2 variant alleles, 2 heterozygotes.
Comment: This variant causes a C to A nucleotide substitution at the -14 position of intron 5 of the TNNT2 gene. To our knowledge, functional studies have not been reported for this variant. This variant has not been reported in individuals affected with cardiovascular disorders in the literature. This variant has not been identified in the general population by the Genome Aggregation Database (gnomAD). The available evidence is insufficient to determine the role of this variant in disease conclusively. Therefore, this variant is classified as a Variant of Uncertain Significance.

This study involves interpretation of variants in research participants for the purpose of population health screening. Participant phenotype was not available at the time of variant classification. Additional details can be found in publication PMID: 35346344, PMCID: PMC8962531

Labcorp Genetics (formerly Invitae), Labcorp
Classification: Uncertain significance for Cardiomyopathy, familial restrictive, 3; Hypertrophic cardiomyopathy 2; Dilated cardiomyopathy 1D. Last evaluated: 2023-10-13. Review status: criteria provided, single submitter. Criteria: Invitae Variant Classification Sherloc (09022015). Collection method: clinical testing. Allele origin: germline.
Comment: This sequence change falls in intron 5 of the TNNT2 gene. It does not directly change the encoded amino acid sequence of the TNNT2 protein. This variant is not present in population databases (gnomAD no frequency). This variant has not been reported in the literature in individuals affected with TNNT2-related conditions. Algorithms developed to predict the effect of sequence changes on RNA splicing suggest that this variant may disrupt the consensus splice site. In summary, the available evidence is currently insufficient to determine the role of this variant in disease. Therefore, it has been classified as a Variant of Uncertain Significance.

Color Diagnostics, LLC DBA Color Health
Classification: Uncertain significance for Cardiomyopathy. Last evaluated: 2023-09-28. Review status: criteria provided, single submitter. Criteria: ACMG Guidelines, 2015. Collection method: clinical testing. Allele origin: germline.
Comment: This variant causes a C to A nucleotide substitution at the -14 position of intron 5 of the TNNT2 gene. To our knowledge, functional studies have not been reported for this variant. This variant has not been reported in individuals affected with cardiovascular disorders in the literature. This variant has not been identified in the general population by the Genome Aggregation Database (gnomAD). The available evidence is insufficient to determine the role of this variant in disease conclusively. Therefore, this variant is classified as a Variant of Uncertain Significance.

NM_001276345.2(TNNT2):c.164-14C>A

Gene: TNNT2 (troponin T2, cardiac type; minus strand). Cytogenetic location: 1q32.1.
Variant type: single nucleotide variant.
Coding change: c.164-14C>A on transcript NM_001276345.2 (MANE Select); 14 bases into the intron before coding-DNA position 164, C replaced by A.
Molecular consequence: intron variant.
Genome position (GRCh38, 1-based): chr1:201,367,820, G>T on the plus strand (C>A on the coding strand, the complement: TNNT2 is on the minus strand). VCF-style: chr1-201367820-G-T. GRCh37 (hg19) VCF-style: chr1-201336948-G-T.
Other names: c.134-14C>A (NM_001406727.1, NM_001406724.1, NM_001001431.3 and 3 more transcripts); c.119-14C>A (NM_001001432.3, NM_001406728.1); c.134-17C>A (NM_001406725.1); c.164-17C>A (NM_001276346.2); c.164-14C>A (NM_000364.4, NM_001406723.1).
Identifiers: ClinVar variation 2774642 (VCV002774642.6), dbSNP rs778709814, ClinGen allele CA088484.